The following is an entry in ClinVar:

ClinVar aggregate classification (germline): Uncertain significance (1 of 4 stars; one submission).

Conditions:
POLD1-related polyposis and colorectal cancer syndrome (CRCS10). Also called: Colorectal cancer 10; COLORECTAL CANCER, SUSCEPTIBILITY TO, ON CHROMOSOME 19q; Colorectal cancer, susceptibility to, 10. Identifiers: Orphanet 220460, MedGen C2675481, MONDO:0012953, OMIM 612591.

Submission:

Labcorp Genetics (formerly Invitae), Labcorp
Classification: Uncertain significance for POLD1-related polyposis and colorectal cancer syndrome. Last evaluated: 2022-09-27. Review status: criteria provided, single submitter. Criteria: Invitae Variant Classification Sherloc (09022015). Collection method: clinical testing. Allele origin: germline.
Comment: In summary, the available evidence is currently insufficient to determine the role of this variant in disease. Therefore, it has been classified as a Variant of Uncertain Significance. Algorithms developed to predict the effect of missense changes on protein structure and function (SIFT, PolyPhen-2, Align-GVGD) all suggest that this variant is likely to be disruptive. This sequence change replaces alanine, which is neutral and non-polar, with threonine, which is neutral and polar, at codon 670 of the POLD1 protein (p.Ala670Thr). This variant is not present in population databases (gnomAD no frequency). This variant has not been reported in the literature in individuals affected with POLD1-related conditions.

NM_002691.4(POLD1):c.2008G>A (p.Ala670Thr)

Gene: POLD1 (DNA polymerase delta 1, catalytic subunit; plus strand). Cytogenetic location: 19q13.33.
Variant type: single nucleotide variant.
Coding change: c.2008G>A on transcript NM_002691.4 (MANE Select); coding-DNA position 2008, G replaced by A.
Protein change: p.Ala670Thr; replaces alanine 670 with threonine.
Molecular consequence: missense variant. On other transcripts: non-coding transcript variant (1).
Genome position (GRCh38, 1-based): chr19:50,409,520, G>A. VCF-style: chr19-50409520-G-A. GRCh37 (hg19) VCF-style: chr19-50912777-G-A.
Other names: c.2008G>A, p.Ala670Thr (NM_001256849.1); c.2086G>A, p.Ala696Thr (NM_001308632.1); short protein forms A670T, A696T.
Identifiers: ClinVar variation 2124669 (VCV002124669.4), dbSNP rs2122384313, ClinGen allele CA406982437.